The following is an entry in ClinVar:

ClinVar aggregate classification (germline): Uncertain significance (1 of 4 stars; one submission).

Conditions:
Neutropenia, severe congenital, 1, autosomal dominant. Identifiers: MedGen C1859966, MONDO:0042490, OMIM 202700.
Cyclical neutropenia. Also called: Cyclic Neutropenia; Cyclic hematopoiesis. Identifiers: Orphanet 2686, MedGen C0221023, MONDO:0008090, OMIM 162800, HP:0040289. Disease mechanism: loss of function.

Submission:

Labcorp Genetics (formerly Invitae), Labcorp
Classification: Uncertain significance for Neutropenia, severe congenital, 1, autosomal dominant; Cyclical neutropenia. Last evaluated: 2025-03-31. Review status: criteria provided, single submitter. Criteria: Invitae Variant Classification Sherloc (09022015). Collection method: clinical testing. Allele origin: germline.
Comment: This sequence change falls in intron 2 of the ELANE gene. It does not directly change the encoded amino acid sequence of the ELANE protein. It affects a nucleotide within the consensus splice site. This variant is not present in population databases (gnomAD no frequency). This variant has not been reported in the literature in individuals affected with ELANE-related conditions. Variants that disrupt the consensus splice site are a relatively common cause of aberrant splicing (PMID: 17576681, 9536098). Algorithms developed to predict the effect of sequence changes on RNA splicing suggest that this variant may disrupt the consensus splice site. In summary, the available evidence is currently insufficient to determine the role of this variant in disease. Therefore, it has been classified as a Variant of Uncertain Significance.

Literature cited by the submitters: PubMed 17576681; PubMed 9536098.

NM_001972.4(ELANE):c.224+3G>T

Gene: ELANE (elastase, neutrophil expressed; plus strand). Cytogenetic location: 19p13.3.
Variant type: single nucleotide variant.
Coding change: c.224+3G>T on transcript NM_001972.4 (MANE Select); 3 bases into the intron after coding-DNA position 224, G replaced by T.
Molecular consequence: intron variant.
Genome position (GRCh38, 1-based): chr19:853,035, G>T. VCF-style: chr19-853035-G-T. GRCh37 (hg19) VCF-style: chr19-853035-G-T.
Identifiers: ClinVar variation 4784085 (VCV004784085.1).
Genomic context (GRCh38, chr19:853,035, plus strand): 5'-GCGCCACCCTGATTGCGCCCAACTTCGTCATGTCGGCCGCGCACTGCGTGGCGAATGTGT[G>T]AGTAGCCGGGAGTGTGCGCGCCCGGCTCGGACCCCGCGTCCCGGTCTGTGAGGTGGGTGG-3'